The following is an entry in ClinVar:

NM_000751.3(CHRND):c.991C>G (p.Leu331Val)

Gene: CHRND (cholinergic receptor nicotinic delta subunit; plus strand). Cytogenetic location: 2q37.1.
Variant type: single nucleotide variant.
Coding change: c.991C>G on transcript NM_000751.3 (MANE Select); coding-DNA position 991, C replaced by G.
Protein change: p.Leu331Val; replaces leucine 331 with valine.
Molecular consequence: missense variant.
Genome position (GRCh38, 1-based): chr2:232,531,600, C>G. VCF-style: chr2-232531600-C-G. GRCh37 (hg19) VCF-style: chr2-233396310-C-G.
Other names: c.946C>G, p.Leu316Val (NM_001256657.2); c.409C>G, p.Leu137Val (NM_001311195.2); c.688C>G, p.Leu230Val (NM_001311196.2); short protein forms L137V, L230V, L316V, L331V.
Identifiers: ClinVar variation 3617627 (VCV003617627.2).

ClinVar aggregate classification (germline): Uncertain significance (1 of 4 stars; one submission).

Conditions:
Lethal multiple pterygium syndrome (LMPS). Identifiers: Orphanet 33108, MedGen C1854678, MONDO:0009668, OMIM 253290.

gnomAD v4.1: 1 of 1,613,994 alleles (0.000062%); no homozygotes.

Submission:

Labcorp Genetics (formerly Invitae), Labcorp
Classification: Uncertain significance for Lethal multiple pterygium syndrome. Last evaluated: 2024-08-01. Review status: criteria provided, single submitter. Criteria: Invitae Variant Classification Sherloc (09022015). Collection method: clinical testing. Allele origin: germline.
Comment: This sequence change replaces leucine, which is neutral and non-polar, with valine, which is neutral and non-polar, at codon 331 of the CHRND protein (p.Leu331Val). This variant is not present in population databases (gnomAD no frequency). This variant has not been reported in the literature in individuals affected with CHRND-related conditions. Advanced modeling of protein sequence and biophysical properties (such as structural, functional, and spatial information, amino acid conservation, physicochemical variation, residue mobility, and thermodynamic stability) performed at Invitae indicates that this missense variant is not expected to disrupt CHRND protein function with a negative predictive value of 80%. In summary, the available evidence is currently insufficient to determine the role of this variant in disease. Therefore, it has been classified as a Variant of Uncertain Significance.